The following is an entry in ClinVar:

ClinVar aggregate classification (germline): Benign/Likely benign. Review status: criteria provided, multiple submitters, no conflicts (2 of 4 stars). 11 submissions from 9 submitters: Benign (7); Likely benign (1). 3 of the submissions do not count toward it. Last evaluated 2026-01-31.

Conditions:
Corticosterone methyloxidase type 2 deficiency. Also called: 18-OXIDASE DEFICIENCY; ALDOSTERONE DEFICIENCY DUE TO DEFICIENCY OF STEROID 18-OXIDASE; ALDOSTERONE DEFICIENCY II; CMO II DEFICIENCY; STEROID 18-OXIDASE DEFICIENCY. Identifiers: Orphanet 427, MedGen C3463917, MONDO:0012524, OMIM 610600. Disease mechanism: loss of function.
Corticosterone 18-monooxygenase deficiency. Also called: ALDOSTERONE DEFICIENCY DUE TO DEFECT IN STEROID 18-HYDROXYLASE; ALDOSTERONE DEFICIENCY I; CMO I DEFICIENCY; STEROID 18-HYDROXYLASE DEFICIENCY; 18 Hydroxylase deficiency; Aldosterone deficiency due to defect in 18 hydroxylase. Identifiers: Orphanet 427, MedGen C0268293, MONDO:0008751, OMIM 203400. Disease mechanism: loss of function.
Glucocorticoid-remediable aldosteronism. Also called: Hyperaldosteronism, familial, type I; ACTH-DEPENDENT HYPERALDOSTERONISM SYNDROME; ALDOSTERONISM, SENSITIVE TO DEXAMETHASONE; FH I; GLUCOCORTICOID-SUPPRESSIBLE HYPERALDOSTERONISM. Identifiers: Orphanet 403, MedGen C3838731, MONDO:0007080, OMIM 103900.
Corticosterone methyl oxidase type II deficiency.

Allele frequency attached by ClinVar (database versions not stated): ExAC 0.00221; gnomAD exomes 0.00235; gnomAD 0.01317 and 0.01323; 1000 Genomes Project 30x 0.01530.
gnomAD v4.1: 4,501 of 1,608,944 alleles (0.28%); highest among the groups gnomAD compares: African/African-American, 3.3%; 138 homozygotes.

Submissions (11):

Labcorp Genetics (formerly Invitae), Labcorp
Classification: Benign. Last evaluated: 2026-01-31. Review status: criteria provided, single submitter. Criteria: Invitae Variant Classification Sherloc (09022015). Collection method: clinical testing. Allele origin: germline.

Mayo Clinic Laboratories, Mayo Clinic
Classification: Benign. Last evaluated: 2023-09-19. Review status: criteria provided, single submitter. Criteria: ACMG Guidelines, 2015. Collection method: clinical testing. Allele origin: germline. Observed: 3 variant alleles.
Comment: BS1, BS2, BP4, BP7

Fulgent Genetics
Classification: Benign for Corticosterone 18-monooxygenase deficiency; Corticosterone methyloxidase type 2 deficiency. Last evaluated: 2022-02-16. Review status: criteria provided, single submitter. Criteria: ACMG Guidelines, 2015. Collection method: clinical testing. Allele origin: unknown.

GeneDx
Classification: Likely benign. Last evaluated: 2022-01-20. Review status: criteria provided, single submitter. Criteria: GeneDx Variant Classification Process June 2021. Collection method: clinical testing. Allele origin: germline. Affected: yes.
Comment: See Variant Classification Assertion Criteria.

Illumina Laboratory Services, Illumina
Classification: Benign for Corticosterone methyloxidase type 2 deficiency. Last evaluated: 2018-01-13. Review status: criteria provided, single submitter. Criteria: ICSL Variant Classification Criteria 13 December 2019. Collection method: clinical testing. Allele origin: germline.
Comment: This variant was observed in the ICSL laboratory as part of a predisposition screen in an ostensibly healthy population. It had not been previously curated by ICSL or reported in the Human Gene Mutation Database (HGMD: prior to June 1st, 2018), and was therefore a candidate for classification through an automated scoring system. Utilizing variant allele frequency, disease prevalence and penetrance estimates, and inheritance mode, an automated score was calculated to assess if this variant is too frequent to cause the disease. Based on the score and internal cut-off values, a variant classified as benign is not then subjected to further curation. The score for this variant resulted in a classification of benign for this disease.

Illumina Laboratory Services, Illumina
Classification: Benign for Hyperaldosteronism, familial, type I. Last evaluated: 2018-01-13. Review status: criteria provided, single submitter. Criteria: ICSL Variant Classification Criteria 13 December 2019. Collection method: clinical testing. Allele origin: germline.
Comment: the same text as in the submission from Illumina Laboratory Services, Illumina above.

Illumina Laboratory Services, Illumina
Classification: Benign for Corticosterone 18-monooxygenase deficiency. Last evaluated: 2018-01-13. Review status: criteria provided, single submitter. Criteria: ICSL Variant Classification Criteria 13 December 2019. Collection method: clinical testing. Allele origin: germline.
Comment: the same text as in the submission from Illumina Laboratory Services, Illumina above.

Breakthrough Genomics
Classification: Benign. Review status: criteria provided, single submitter. Criteria: ACMG Guidelines, 2015. Collection method: not provided. Allele origin: germline. Inheritance: Autosomal recessive inheritance. Affected: yes.

Natera, Inc.
Classification: Benign for Corticosterone methyl oxidase type II deficiency. Last evaluated: 2020-09-16. Review status: no assertion criteria provided. Collection method: clinical testing. Allele origin: germline. Not counted in ClinVar's aggregate classification.

Genome Diagnostics Laboratory, University Medical Center Utrecht
Classification: Benign. Review status: no assertion criteria provided. Collection method: clinical testing. Allele origin: germline. Affected: yes. Study: VKGL Data-share Consensus. Not counted in ClinVar's aggregate classification.

Joint Genome Diagnostic Labs from Nijmegen and Maastricht, Radboudumc and MUMC+
Classification: Likely benign. Review status: no assertion criteria provided. Collection method: clinical testing. Allele origin: germline. Affected: yes. Study: VKGL Data-share Consensus. Not counted in ClinVar's aggregate classification.

NM_000498.3(CYP11B2):c.606A>G (p.Leu202=)

Genes: CYP11B2 (cytochrome P450 family 11 subfamily B member 2; minus strand), LOC106799834 (CYP11B2 recombination region; plus strand). Cytogenetic location: 8q24.3.
Variant type: single nucleotide variant.
Coding change: c.606A>G on transcript NM_000498.3 (MANE Select); coding-DNA position 606, A replaced by G.
Protein change: p.Leu202=; no amino-acid change (leucine 202 retained).
Molecular consequence: synonymous variant.
Genome position (GRCh38, 1-based): chr8:142,914,898, T>C on the plus strand (A>G on the coding strand, the complement: CYP11B2 is on the minus strand). VCF-style: chr8-142914898-T-C. GRCh37 (hg19) VCF-style: chr8-143996314-T-C.
Other names: p.Leu202=.
Identifiers: ClinVar variation 362215 (VCV000362215.23), dbSNP rs113284476, ClinGen allele CA4906135.